The following is an entry in ClinVar:

NM_001189.4(NKX3-2):c.355G>A (p.Ala119Thr)

Gene: NKX3-2 (NK3 homeobox 2; minus strand). Cytogenetic location: 4p15.33.
Variant type: single nucleotide variant.
Coding change: c.355G>A on transcript NM_001189.4 (MANE Select); coding-DNA position 355, G replaced by A.
Protein change: p.Ala119Thr; replaces alanine 119 with threonine.
Molecular consequence: missense variant.
Genome position (GRCh38, 1-based): chr4:13,544,060, C>T on the plus strand (G>A on the coding strand, the complement: NKX3-2 is on the minus strand). VCF-style: chr4-13544060-C-T. GRCh37 (hg19) VCF-style: chr4-13545684-C-T.
Other names: short protein forms A119T.
Identifiers: ClinVar variation 4685324 (VCV004685324.1).

ClinVar aggregate classification (germline): Uncertain significance (1 of 4 stars; one submission).

gnomAD v4.1: 4 of 1,572,788 alleles (0.00025%); highest among the groups gnomAD compares: African/African-American, 0.0055%; no homozygotes.

Submission:

GeneDx
Classification: Uncertain significance. Last evaluated: 2025-07-10. Review status: criteria provided, single submitter. Criteria: GeneDx Variant Classification Process June 2021. Collection method: clinical testing. Allele origin: germline. Affected: yes.
Comment: In silico analysis suggests that this missense variant does not alter protein structure/function; Has not been previously published as pathogenic or benign to our knowledge